The following is an entry in ClinVar:

ClinVar aggregate classification (germline): Uncertain significance. Review status: criteria provided, multiple submitters, no conflicts (2 of 4 stars). 2 submissions from 2 submitters: Uncertain significance (2). Last evaluated 2025-10-04.

Submissions (2):

Labcorp Genetics (formerly Invitae), Labcorp
Classification: Uncertain significance. Last evaluated: 2025-10-04. Review status: criteria provided, single submitter. Criteria: Invitae Variant Classification Sherloc (09022015). Collection method: clinical testing. Allele origin: germline.
Comment: The OPA1 gene has multiple clinically relevant transcripts. This variant occurs in alternate transcript NM_130837.2, and corresponds to NM_015560.2:c.625-5456G>A in the primary transcript. This sequence change replaces arginine, which is basic and polar, with lysine, which is basic and polar, at codon 248 of the OPA1 protein (p.Arg248Lys). This variant is not present in population databases (gnomAD no frequency). This variant has not been reported in the literature in individuals affected with OPA1-related conditions. ClinVar contains an entry for this variant (Variation ID: 2654360). Experimental studies and prediction algorithms are not available or were not evaluated, and the functional significance of this variant is currently unknown. Algorithms developed to predict the effect of sequence changes on RNA splicing suggest that this variant is not likely to affect RNA splicing. In summary, the available evidence is currently insufficient to determine the role of this variant in disease. Therefore, it has been classified as a Variant of Uncertain Significance.

CeGaT Center for Human Genetics Tuebingen
Classification: Uncertain significance. Last evaluated: 2022-06-01. Review status: criteria provided, single submitter. Criteria: CeGaT Center For Human Genetics Tuebingen Variant Classification Criteria Version 2. Collection method: clinical testing. Allele origin: germline. Affected: yes. Observed: 1 variant allele.
Comment: OPA1: PM2

NM_130837.3(OPA1):c.743G>A (p.Arg248Lys)

Genes: OPA1 (OPA1 mitochondrial dynamin like GTPase; plus strand), OPA1-AS1 (OPA1 antisense RNA 1; minus strand). Cytogenetic location: 3q29.
Variant type: single nucleotide variant.
Coding change: c.743G>A on transcript NM_130837.3 (MANE Select); coding-DNA position 743, G replaced by A.
Protein change: p.Arg248Lys; replaces arginine 248 with lysine.
Molecular consequence: missense variant. On other transcripts: intron variant (5).
Genome position (GRCh38, 1-based): chr3:193,626,156, G>A. VCF-style: chr3-193626156-G-A. GRCh37 (hg19) VCF-style: chr3-193343945-G-A.
Other names: c.209G>A, p.Arg70Lys (NM_001354663.2); c.581G>A, p.Arg194Lys (NM_130833.3); c.635G>A, p.Arg212Lys (NM_130835.3); c.689G>A, p.Arg230Lys (NM_130836.3); c.253-5456G>A (NM_001354664.2); c.679-5456G>A (NM_130834.3); c.625-5456G>A (NM_015560.3); c.571-5456G>A (NM_130832.3); and 1 more; short protein forms R194K, R212K, R230K, R248K, R70K.
Identifiers: ClinVar variation 2654360 (VCV002654360.27), dbSNP rs2474698025, ClinGen allele CA355788665.